The following is an entry in ClinVar:

ClinVar aggregate classification (germline): Uncertain significance (1 of 4 stars; one submission).

Conditions:
Van der Woude syndrome 2 (VWS2). Identifiers: Orphanet 888, MedGen C1847604, MONDO:0011712, OMIM 606713.

Submission:

Labcorp Genetics (formerly Invitae), Labcorp
Classification: Uncertain significance for Van der Woude syndrome 2. Last evaluated: 2024-07-19. Review status: criteria provided, single submitter. Criteria: Invitae Variant Classification Sherloc (09022015). Collection method: clinical testing. Allele origin: germline.
Comment: This sequence change replaces glycine, which is neutral and non-polar, with arginine, which is basic and polar, at codon 539 of the GRHL3 protein (p.Gly539Arg). This variant is not present in population databases (gnomAD no frequency). This variant has not been reported in the literature in individuals affected with GRHL3-related conditions. An algorithm developed to predict the effect of missense changes on protein structure and function (PolyPhen-2) suggests that this variant is likely to be disruptive. In summary, the available evidence is currently insufficient to determine the role of this variant in disease. Therefore, it has been classified as a Variant of Uncertain Significance.

NM_198173.3(GRHL3):c.1615G>A (p.Gly539Arg)

Gene: GRHL3 (grainyhead like transcription factor 3; plus strand). Cytogenetic location: 1p36.11.
Variant type: single nucleotide variant.
Coding change: c.1615G>A on transcript NM_198173.3 (MANE Select); coding-DNA position 1615, G replaced by A.
Protein change: p.Gly539Arg; replaces glycine 539 with arginine.
Molecular consequence: missense variant.
Genome position (GRCh38, 1-based): chr1:24,347,539, G>A. VCF-style: chr1-24347539-G-A. GRCh37 (hg19) VCF-style: chr1-24674029-G-A.
Other names: c.1477G>A, p.Gly493Arg (NM_001195010.2); c.1630G>A, p.Gly544Arg (NM_021180.4); c.1615G>A, p.Gly539Arg (NM_198174.3); short protein forms G539R, G544R, G493R.
Identifiers: ClinVar variation 3659948 (VCV003659948.2).
Genomic context (GRCh38, chr1:24,347,539, plus strand): 5'-GTGCGGAGGGAGACTGAGGAGGTGTTTGACGCGCTCATGTTGAAGACCCCAGACCTGAAG[G>A]GGCTGAGGAATGCGGTAAGCTGCCTGTGGACCCCGCCCCCCATGGCAGACCCCCTCTAGG-3'
Protein context (NP_937816.1, residues 529-549): ALMLKTPDLK[Gly539Arg]LRNAISEKYG